The following is an entry in ClinVar:

ClinVar aggregate classification (germline): Uncertain significance. Review status: criteria provided, multiple submitters, no conflicts (2 of 4 stars). 5 submissions from 5 submitters: Uncertain significance (5). Last evaluated 2025-08-20.

Conditions:
Familial adenomatous polyposis 1 (FAP1). Also called: POLYPOSIS, ADENOMATOUS INTESTINAL; FAMILIAL ADENOMATOUS POLYPOSIS 1, ATTENUATED. Identifiers: MedGen C2713442, MONDO:0021056, OMIM 175100. Disease mechanism: loss of function.
Hereditary cancer-predisposing syndrome. Also called: Hereditary Cancer Syndrome; Neoplastic Syndromes, Hereditary; Tumor predisposition; Hereditary neoplastic syndrome. Identifiers: Orphanet 140162, MedGen C0027672, MeSH D009386, MONDO:0015356.

gnomAD v4.1: 1 of 1,614,086 alleles (0.000062%); highest among the groups gnomAD compares: Non-Finnish European, 0.000085%; no homozygotes.

Submissions (5):

Ambry Genetics
Classification: Uncertain significance for Hereditary cancer-predisposing syndrome. Last evaluated: 2025-08-20. Review status: criteria provided, single submitter. Criteria: Ambry Variant Classification Scheme 2023. Collection method: clinical testing. Allele origin: germline.
Comment: The p.A604V variant (also known as c.1811C>T), located in coding exon 14 of the APC gene, results from a C to T substitution at nucleotide position 1811. The alanine at codon 604 is replaced by valine, an amino acid with similar properties. This amino acid position is highly conserved in available vertebrate species. In addition, in silico predictors for this gene do not accurately predict pathogenicity. Missense alterations in APC are not a common cause of disease (Spier I et al. Genet Med. 2024 Feb;26(2):100992). Based on the available evidence, the clinical significance of this variant remains unclear.

Labcorp Genetics (formerly Invitae), Labcorp
Classification: Uncertain significance for Familial adenomatous polyposis 1. Last evaluated: 2025-05-06. Review status: criteria provided, single submitter. Criteria: Invitae Variant Classification Sherloc (09022015). Collection method: clinical testing. Allele origin: germline.
Comment: This sequence change replaces alanine, which is neutral and non-polar, with valine, which is neutral and non-polar, at codon 604 of the APC protein (p.Ala604Val). This variant is not present in population databases (gnomAD no frequency). This variant has not been reported in the literature in individuals affected with APC-related conditions. ClinVar contains an entry for this variant (Variation ID: 490227). Invitae Evidence Modeling of protein sequence and biophysical properties (such as structural, functional, and spatial information, amino acid conservation, physicochemical variation, residue mobility, and thermodynamic stability) indicates that this missense variant is not expected to disrupt APC protein function with a negative predictive value of 95%. In summary, the available evidence is currently insufficient to determine the role of this variant in disease. Therefore, it has been classified as a Variant of Uncertain Significance.

Color Diagnostics, LLC DBA Color Health
Classification: Uncertain significance for Hereditary cancer-predisposing syndrome. Last evaluated: 2023-12-05. Review status: criteria provided, single submitter. Criteria: ACMG Guidelines, 2015. Collection method: clinical testing. Allele origin: germline.
Comment: This missense variant replaces alanine with valine at codon 604 of the APC protein. Computational prediction suggests that this variant may not impact protein structure and function (internally defined REVEL score threshold <= 0.5, PMID: 27666373). To our knowledge, functional studies have not been reported for this variant. This variant has not been reported in individuals affected with APC-related disorders in the literature. This variant has not been identified in the general population by the Genome Aggregation Database (gnomAD). The available evidence is insufficient to determine the role of this variant in disease conclusively. Therefore, this variant is classified as a Variant of Uncertain Significance.

Institute for Biomarker Research, Medical Diagnostic Laboratories, L.L.C.
Classification: Uncertain significance for Hereditary cancer-predisposing syndrome. Last evaluated: 2023-12-05. Review status: criteria provided, single submitter. Criteria: ACMG Guidelines, 2015. Collection method: clinical testing. Allele origin: germline.

GeneDx
Classification: Uncertain significance. Last evaluated: 2019-09-25. Review status: criteria provided, single submitter. Criteria: GeneDx Variant Classification Process June 2021. Collection method: clinical testing. Allele origin: germline. Affected: yes.
Comment: Not observed in large population cohorts (Lek et al., 2016); In silico analysis, which includes protein predictors and evolutionary conservation, supports a deleterious effect; Has not been previously published as pathogenic or benign to our knowledge

NM_000038.6(APC):c.1811C>T (p.Ala604Val)

Gene: APC (APC regulator of Wnt signaling pathway; plus strand). Cytogenetic location: 5q22.2.
Variant type: single nucleotide variant.
Coding change: c.1811C>T on transcript NM_000038.6 (MANE Select); coding-DNA position 1811, C replaced by T.
Protein change: p.Ala604Val; replaces alanine 604 with valine.
Molecular consequence: missense variant.
Genome position (GRCh38, 1-based): chr5:112,835,018, C>T. VCF-style: chr5-112835018-C-T. GRCh37 (hg19) VCF-style: chr5-112170715-C-T.
Other names: c.1811C>T, p.Ala604Val (NM_001127510.3, NM_001354895.2); c.1757C>T, p.Ala586Val (NM_001127511.3); c.1865C>T, p.Ala622Val (NM_001354896.2); c.1841C>T, p.Ala614Val (NM_001354897.2); c.1736C>T, p.Ala579Val (NM_001354898.2); c.1727C>T, p.Ala576Val (NM_001354899.2); c.1688C>T, p.Ala563Val (NM_001354900.2); c.1634C>T, p.Ala545Val (NM_001354901.2); and 5 more; short protein forms A586V, A604V, A321V, A513V, A545V, A576V, A444V, A503V.
Identifiers: ClinVar variation 490227 (VCV000490227.23), dbSNP rs370955311, ClinGen allele CA16025286.
Genomic context (GRCh38, chr5:112,835,018, plus strand): 5'-CCCTCAAAAGCGTATTGAGTGCCTTATGGAATTTGTCAGCACATTGCACTGAGAATAAAG[C>T]TGATATATGTGCTGTAGATGGTGCACTTGCATTTTTGGTTGGCACTCTTACTTACCGGAG-3'
Protein context (NP_000029.2, residues 594-614): NLSAHCTENK[Ala604Val]DICAVDGALA